The following is an entry in ClinVar:

NM_001036.6(RYR3):c.10880_10881inv (p.Ala3627Val)

Gene: RYR3 (ryanodine receptor 3; plus strand). Cytogenetic location: 15q14.
Variant type: Inversion.
Coding change: c.10880_10881inv on transcript NM_001036.6 (MANE Select).
Protein change: p.Ala3627Val; replaces alanine 3627 with valine.
Molecular consequence: missense variant.
Genome position: GRCh38 VCF-style: chr15-33821334-CA-TG. GRCh37 (hg19) VCF-style: chr15-34113535-CA-TG.
Other names: c.10865_10866inv, p.Ala3622Val (NM_001243996.4); short protein forms A3622V, A3627V.
Identifiers: ClinVar variation 1058310 (VCV001058310.7), ClinGen allele CA2499222875.

ClinVar aggregate classification (germline): Uncertain significance (1 of 4 stars; one submission).

Conditions:
Epileptic encephalopathy. Identifiers: MedGen C0543888, HP:0200134.

Submission:

Labcorp Genetics (formerly Invitae), Labcorp
Classification: Uncertain significance for Epileptic encephalopathy. Last evaluated: 2018-05-03. Review status: criteria provided, single submitter. Criteria: Invitae Variant Classification Sherloc (09022015). Collection method: clinical testing. Allele origin: germline.
Comment: In summary, the available evidence is currently insufficient to determine the role of this variant in disease. Therefore, it has been classified as a Variant of Uncertain Significance. Algorithms developed to predict the effect of missense changes on protein structure and function do not agree on the potential impact of this missense change (SIFT: "Deleterious"; PolyPhen-2: "Probably Damaging"; Align-GVGD: "Class C0"). This variant has not been reported in the literature in individuals with RYR3-related disease. This variant is reported as two separate single-nucleotide changes in population databases (c.10880C>T, ExAC 0.0004% and c.10881A>G, ExAC 68%). However, in the read data for 2/2 individuals, these two variants are in cis. This recapitulates the variant observed here (c.10880_10881delinsTG) and indicates that this variant is likely present in the population databases at 0.0003%. This sequence change replaces alanine with valine at codon 3627 of the RYR3 protein (p.Ala3627Val). The alanine residue is highly conserved and there is a small physicochemical difference between alanine and valine.